The following is an entry in ClinVar:

ClinVar aggregate classification (germline): Likely benign. Review status: criteria provided, multiple submitters, no conflicts (2 of 4 stars). 3 submissions from 3 submitters: Likely benign (3). Last evaluated 2026-02-22.

Conditions:
PKD1-related disorder. Also called: PKD1-related condition.

Allele frequency attached by ClinVar (database versions not stated): gnomAD exomes 0.00004 and 0.00007; ExAC 0.00010; TOPMed 0.00010; gnomAD 0.00013 and 0.00015; 1000 Genomes Project 0.00060; 1000 Genomes Project 30x 0.00109.
gnomAD v4.1: 76 of 1,598,206 alleles (0.0048%); highest among the groups gnomAD compares: African/African-American, 0.027%; 2 homozygotes.

Submissions (3):

PreventionGenetics, part of Exact Sciences
Classification: Likely benign for PKD1-related condition. Last evaluated: 2026-02-22. Review status: criteria provided, single submitter. Criteria: ACMG Guidelines, 2015. Collection method: clinical testing. Allele origin: germline.
Comment: This variant is classified as likely benign based on ACMG/AMP sequence variant interpretation guidelines (Richards et al. 2015 PMID: 25741868, with internal and published modifications).

CeGaT Center for Human Genetics Tuebingen
Classification: Likely benign. Last evaluated: 2024-07-01. Review status: criteria provided, single submitter. Criteria: CeGaT Center For Human Genetics Tuebingen Variant Classification Criteria Version 2. Collection method: clinical testing. Allele origin: germline. Affected: yes. Observed: 1 variant allele.
Comment: PKD1: BP4, BP7

GeneDx
Classification: Likely benign. Last evaluated: 2021-03-09. Review status: criteria provided, single submitter. Criteria: GeneDx Variant Classification Process June 2021. Collection method: clinical testing. Allele origin: germline. Affected: yes.
Comment: This variant is associated with the following publications: (PMID: 18791038)

NM_001009944.3(PKD1):c.7791A>G (p.Pro2597=)

Gene: PKD1 (polycystin 1, transient receptor potential channel interacting; minus strand). Cytogenetic location: 16p13.3.
Variant type: single nucleotide variant.
Coding change: c.7791A>G on transcript NM_001009944.3 (MANE Select); coding-DNA position 7791, A replaced by G.
Protein change: p.Pro2597=; no amino-acid change (proline 2597 retained).
Molecular consequence: synonymous variant.
Genome position (GRCh38, 1-based): chr16:2,105,937, T>C on the plus strand (A>G on the coding strand, the complement: PKD1 is on the minus strand). VCF-style: chr16-2105937-T-C. GRCh37 (hg19) VCF-style: chr16-2155938-T-C.
Other names: c.7791A>G, p.Pro2597= (NM_000296.4).
Identifiers: ClinVar variation 1338925 (VCV001338925.20), dbSNP rs566533475, ClinGen allele CA7830908.
Genomic context (GRCh38, chr16:2,105,937, plus strand): 5'-GGTGACCAGGGCCAACGAGTACTCGATGACGTGCTGGGGATCGGCCTGCCGCAGCAGCCC[T>C]GGGAGCACACTAGCGGTGAGCCCGTGCAGCCAGACTGTGAGCCCCGTTGCGCTGCCGTTG-3'
Protein context (NP_001009944.3, residues 2587-2607): WLHGLTASVL[Pro2597=]GLLRQADPQH